The following is an entry in ClinVar:

NM_000138.5(FBN1):c.6454G>A (p.Glu2152Lys)

Gene: FBN1 (fibrillin 1; minus strand). Cytogenetic location: 15q21.1.
Variant type: single nucleotide variant.
Coding change: c.6454G>A on transcript NM_000138.5 (MANE Select); coding-DNA position 6454, G replaced by A.
Protein change: p.Glu2152Lys; replaces glutamic acid 2152 with lysine.
Molecular consequence: missense variant.
Genome position (GRCh38, 1-based): chr15:48,437,003, C>T on the plus strand (G>A on the coding strand, the complement: FBN1 is on the minus strand). VCF-style: chr15-48437003-C-T. GRCh37 (hg19) VCF-style: chr15-48729200-C-T.
Other names: short protein forms E2152K.
Identifiers: ClinVar variation 527149 (VCV000527149.8), dbSNP rs777877864, ClinGen allele CA056812.

ClinVar aggregate classification (germline): Uncertain significance. Review status: criteria provided, multiple submitters, no conflicts (2 of 4 stars). 3 submissions from 3 submitters: Uncertain significance (3). Last evaluated 2025-04-06.

Conditions:
Familial thoracic aortic aneurysm and aortic dissection (TAAD). Also called: Thoracic aortic aneurysms and dissections. Identifiers: Orphanet 91387, MedGen C4707243, MONDO:0019625.
Marfan syndrome (MFS). Also called: Marfan syndrome type 1; Marfan syndrome, classic; Marfan's syndrome; FBN1-Related Marfan Syndrome; MARFAN SYNDROME, TYPE I. Identifiers: Orphanet 284963, Orphanet 558, MedGen C0024796, MONDO:0007947, OMIM 154700.

Allele frequency attached by ClinVar (database versions not stated): gnomAD exomes below 0.00001; gnomAD 0.00001; TOPMed below 0.00001; ExAC 0.00001.
gnomAD v4.1: 6 of 1,612,696 alleles (0.00037%); highest among the groups gnomAD compares: Admixed American, 0.0017%; no homozygotes.

Submissions (3):

Labcorp Genetics (formerly Invitae), Labcorp
Classification: Uncertain significance for Marfan syndrome; Familial thoracic aortic aneurysm and aortic dissection. Last evaluated: 2025-04-06. Review status: criteria provided, single submitter. Criteria: Invitae Variant Classification Sherloc (09022015). Collection method: clinical testing. Allele origin: germline.
Comment: This sequence change replaces glutamic acid, which is acidic and polar, with lysine, which is basic and polar, at codon 2152 of the FBN1 protein (p.Glu2152Lys). This variant is present in population databases (rs777877864, gnomAD 0.0009%). This missense change has been observed in individual(s) with ectopia lentis (PMID: 19293843). ClinVar contains an entry for this variant (Variation ID: 527149). Invitae Evidence Modeling of protein sequence and biophysical properties (such as structural, functional, and spatial information, amino acid conservation, physicochemical variation, residue mobility, and thermodynamic stability) indicates that this missense variant is expected to disrupt FBN1 protein function with a positive predictive value of 95%. In summary, the available evidence is currently insufficient to determine the role of this variant in disease. Therefore, it has been classified as a Variant of Uncertain Significance.

All of Us Research Program, National Institutes of Health
Classification: Uncertain significance for Marfan syndrome. Last evaluated: 2024-01-11. Review status: criteria provided, single submitter. Criteria: ACMG Guidelines, 2015. Collection method: clinical testing. Allele origin: germline. Inheritance: Autosomal dominant inheritance. Observed: 1 variant allele, 1 heterozygote.
Comment: This study involves interpretation of variants in research participants for the purpose of population health screening. Participant phenotype was not available at the time of variant classification. Additional details can be found in publication PMID: 35346344, PMCID: PMC8962531

GeneDx
Classification: Uncertain significance. Last evaluated: 2022-08-12. Review status: criteria provided, single submitter. Criteria: GeneDx Variant Classification Process June 2021. Collection method: clinical testing. Allele origin: germline. Affected: yes.
Comment: Identified in patient with ectopia lentis in published literature (Stheneur et al., 2009); Not observed at significant frequency in large population cohorts (gnomAD); In silico analysis supports that this missense variant has a deleterious effect on protein structure/function; Although located in a calcium-binding EGF-like domain of the FBN1 gene, it does not affect a cysteine residue within this domain; cysteine substitutions in the calcium-binding EGF-like domains represent the majority of pathogenic missense changes associated with FBN1-related disorders (Collod-Beroud et al., 2003); This variant is associated with the following publications: (PMID: 19293843, 12938084)

Literature cited by the submitters: PubMed 19293843 (cited by Labcorp Genetics (formerly Invitae), Labcorp).